The following is an entry in ClinVar:

ClinVar aggregate classification (germline): Uncertain significance. Review status: criteria provided, multiple submitters, no conflicts (2 of 4 stars). 2 submissions from 2 submitters: Uncertain significance (2). Last evaluated 2025-10-26.

Conditions:
Tuberous sclerosis 2 (TSC2). Identifiers: Orphanet 805, MedGen C1860707, MONDO:0013199, OMIM 613254.

Submissions (2):

Labcorp Genetics (formerly Invitae), Labcorp
Classification: Uncertain significance for Tuberous sclerosis 2. Last evaluated: 2025-10-26. Review status: criteria provided, single submitter. Criteria: Invitae Variant Classification Sherloc (09022015). Collection method: clinical testing. Allele origin: germline.
Comment: This sequence change replaces aspartic acid, which is acidic and polar, with tyrosine, which is neutral and polar, at codon 288 of the TSC2 protein (p.Asp288Tyr). This variant is not present in population databases (gnomAD no frequency). This variant has not been reported in the literature in individuals affected with TSC2-related conditions. ClinVar contains an entry for this variant (Variation ID: 2836373). Invitae Evidence Modeling of protein sequence and biophysical properties (such as structural, functional, and spatial information, amino acid conservation, physicochemical variation, residue mobility, and thermodynamic stability) indicates that this missense variant is not expected to disrupt TSC2 protein function with a negative predictive value of 95%. In summary, the available evidence is currently insufficient to determine the role of this variant in disease. Therefore, it has been classified as a Variant of Uncertain Significance.

Women's Health and Genetics/Laboratory Corporation of America, LabCorp
Classification: Uncertain significance. Last evaluated: 2025-05-14. Review status: criteria provided, single submitter. Criteria: LabCorp Variant Classification Summary - May 2015. Collection method: clinical testing. Allele origin: germline.
Comment: Variant summary: TSC2 c.862G>T (p.Asp288Tyr) results in a non-conservative amino acid change located in the Tuberin, N-terminal domain (IPR024584) of the encoded protein sequence. Algorithms developed to predict the effect of missense changes on protein structure and function all suggest that this variant is likely to be disruptive. The variant was absent in 202146 control chromosomes. The available data on variant occurrences in the general population are insufficient to allow any conclusion about variant significance. To our knowledge, no occurrence of c.862G>T in individuals affected with Tuberous Sclerosis Complex and no experimental evidence demonstrating its impact on protein function have been reported. ClinVar contains an entry for this variant (Variation ID: 2836373). Based on the evidence outlined above, the variant was classified as uncertain significance.

NM_000548.5(TSC2):c.862G>T (p.Asp288Tyr)

Gene: TSC2 (TSC complex subunit 2; plus strand). Cytogenetic location: 16p13.3.
Variant type: single nucleotide variant.
Coding change: c.862G>T on transcript NM_000548.5 (MANE Select); coding-DNA position 862, G replaced by T.
Protein change: p.Asp288Tyr; replaces aspartic acid 288 with tyrosine.
Molecular consequence: missense variant. On other transcripts: 5 prime UTR variant (10), non-coding transcript variant (5).
Genome position (GRCh38, 1-based): chr16:2,058,760, G>T. VCF-style: chr16-2058760-G-T. GRCh37 (hg19) VCF-style: chr16-2108761-G-T.
Other names: c.952G>T, p.Asp318Tyr (NM_001406668.1, NM_001406667.1); c.751G>T, p.Asp251Tyr (NM_001406670.1, NM_001318827.2, NM_001406678.1); c.850G>T, p.Asp284Tyr (NM_001406671.1, NM_001406673.1); c.715G>T, p.Asp239Tyr (NM_001406675.1, NM_001406676.1, NM_001318829.2 and 1 more transcripts); c.805G>T, p.Asp269Tyr (NM_001406677.1); c.862G>T, p.Asp288Tyr (NM_001406665.1, NM_001077183.3, NM_001114382.3 and 6 more transcripts); c.262G>T, p.Asp88Tyr (NM_001318831.2, NM_001406688.1, NM_001406680.1 and 6 more transcripts); c.895G>T, p.Asp299Tyr (NM_001318832.2); and 4 more; short protein forms D134Y, D88Y, D269Y, D284Y, D299Y, D318Y, D239Y, D251Y.
Identifiers: ClinVar variation 2836373 (VCV002836373.6), dbSNP rs1555499648, ClinGen allele CA394315001.
Genomic context (GRCh38, chr16:2,058,760, plus strand): 5'-GGGACAGGGCCCTGCTCACATTCCGTCTCTCTGGGGAACACTTTTAGAGCCTACATGGAG[G>T]ACGCGCCCCTGCTGAGAGGAGCCGTGTTTTTTGTGGGCATGGCTCTCTGGGGAGCCCACC-3'
Protein context (NP_000539.2, residues 278-298): HLMEDRAYME[Asp288Tyr]APLLRGAVFF